The following is an entry in ClinVar:

ClinVar aggregate classification (germline): Uncertain significance (1 of 4 stars; one submission).

Submission:

Labcorp Genetics (formerly Invitae), Labcorp
Classification: Uncertain significance. Last evaluated: 2022-08-21. Review status: criteria provided, single submitter. Criteria: Invitae Variant Classification Sherloc (09022015). Collection method: clinical testing. Allele origin: germline.
Comment: This sequence change falls in intron 94 of the HMCN1 gene. It does not directly change the encoded amino acid sequence of the HMCN1 protein. It affects a nucleotide within the consensus splice site. In summary, the available evidence is currently insufficient to determine the role of this variant in disease. Therefore, it has been classified as a Variant of Uncertain Significance. Variants that disrupt the consensus splice site are a relatively common cause of aberrant splicing (PMID: 17576681, 9536098). Algorithms developed to predict the effect of sequence changes on RNA splicing suggest that this variant may disrupt the consensus splice site. This variant has not been reported in the literature in individuals affected with HMCN1-related conditions. This variant is not present in population databases (gnomAD no frequency).

Literature cited by the submitters: PubMed 17576681; PubMed 9536098.

NM_031935.3(HMCN1):c.14758+3_14758+6del

Gene: HMCN1 (hemicentin 1; plus strand). Cytogenetic location: 1q31.1.
Variant type: Deletion.
Coding change: c.14758+3_14758+6del on transcript NM_031935.3 (MANE Select); bases 3 to 6 of the intron after coding-DNA position 14758, 4 bases deleted (AAGT; older notation c.14758+3_14758+6delAAGT).
Molecular consequence: splice donor variant.
Genome position (GRCh38, 1-based): chr1:186,151,352-186,151,355, AAGT deleted; deleting any 4 consecutive bases within chr1:186,151,350-186,151,355 gives the same sequence; the c. name uses the placement nearest the transcript's 3' end. VCF-style (leftmost placement, unchanged base first): chr1-186151349-GGTAA-G. GRCh37 (hg19) VCF-style: chr1-186120481-GGTAA-G.
Identifiers: ClinVar variation 2025839 (VCV002025839.4), dbSNP rs2528149665, ClinGen allele CA2580061701.